The following is an entry in ClinVar:

ClinVar aggregate classification (germline): Uncertain significance (1 of 4 stars; one submission).

Conditions:
Inborn genetic diseases. Identifiers: MedGen C0950123, MeSH D030342.

Submission:

Ambry Genetics
Classification: Uncertain significance for Inborn genetic diseases. Last evaluated: 2024-09-12. Review status: criteria provided, single submitter. Criteria: Ambry Variant Classification Scheme 2023. Collection method: clinical testing. Allele origin: germline.
Comment: The c.1007T>G (p.I336S) alteration is located in exon 1 (coding exon 1) of the KCNA3 gene. This alteration results from a T to G substitution at nucleotide position 1007, causing the isoleucine (I) at amino acid position 336 to be replaced by a serine (S). This variant was not reported in population-based cohorts in the Genome Aggregation Database (gnomAD). This amino acid position is highly conserved in available vertebrate species. This missense alteration is located in a region that has a low rate of benign missense variation (Lek, 2016; Firth, 2009). This alteration is predicted to be deleterious by in silico analysis. Based on insufficient or conflicting evidence, the clinical significance of this alteration remains unclear.

NM_002232.5(KCNA3):c.1007T>G (p.Ile336Ser)

Gene: KCNA3 (potassium voltage-gated channel subfamily A member 3; minus strand). Cytogenetic location: 1p13.3.
Variant type: single nucleotide variant.
Coding change: c.1007T>G on transcript NM_002232.5 (MANE Select); coding-DNA position 1007, T replaced by G.
Protein change: p.Ile336Ser; replaces isoleucine 336 with serine.
Molecular consequence: missense variant.
Genome position (GRCh38, 1-based): chr1:110,673,803, A>C on the plus strand (T>G on the coding strand, the complement: KCNA3 is on the minus strand). VCF-style: chr1-110673803-A-C. GRCh37 (hg19) VCF-style: chr1-111216425-A-C.
Other names: short protein forms I336S.
Identifiers: ClinVar variation 3532070 (VCV003532070.1).